The following is an entry in ClinVar:

NM_001563.4(IMPG1):c.469-4G>A

Gene: IMPG1 (interphotoreceptor matrix proteoglycan 1; minus strand). Cytogenetic location: 6q14.1.
Variant type: single nucleotide variant.
Coding change: c.469-4G>A on transcript NM_001563.4 (MANE Select); 4 bases into the intron before coding-DNA position 469, G replaced by A.
Molecular consequence: intron variant.
Genome position (GRCh38, 1-based): chr6:76,034,347, C>T on the plus strand (G>A on the coding strand, the complement: IMPG1 is on the minus strand). VCF-style: chr6-76034347-C-T. GRCh37 (hg19) VCF-style: chr6-76744064-C-T.
Other names: c.469-4G>A (NM_001563.3); c.235-4G>A (NM_001282368.2).
Identifiers: ClinVar variation 1548037 (VCV001548037.9), dbSNP rs778311318, ClinGen allele CA3898506.

ClinVar aggregate classification (germline): Likely benign. Review status: criteria provided, multiple submitters, no conflicts (2 of 4 stars). 2 submissions from 2 submitters: Likely benign (2). Last evaluated 2025-11-04.

Conditions:
IMPG1-related disorder. Also called: IMPG1-related condition.

Allele frequency attached by ClinVar (database versions not stated): TOPMed 0.00001; ExAC 0.00002; gnomAD exomes 0.00002; gnomAD 0.00003 and 0.00004.
gnomAD v4.1: 34 of 1,611,988 alleles (0.0021%); highest among the groups gnomAD compares: Non-Finnish European, 0.0022%; no homozygotes.

Submissions (2):

PreventionGenetics, part of Exact Sciences
Classification: Likely benign for IMPG1-related condition. Last evaluated: 2025-11-04. Review status: criteria provided, single submitter. Criteria: ACMG Guidelines, 2015. Collection method: clinical testing. Allele origin: germline.
Comment: This variant is classified as likely benign based on ACMG/AMP sequence variant interpretation guidelines (Richards et al. 2015 PMID: 25741868, with internal and published modifications).

Labcorp Genetics (formerly Invitae), Labcorp
Classification: Likely benign. Last evaluated: 2022-05-27. Review status: criteria provided, single submitter. Criteria: Invitae Variant Classification Sherloc (09022015). Collection method: clinical testing. Allele origin: germline.